The following is an entry in ClinVar:

NM_001429.4(EP300):c.5607_5624del (p.Ser1873_Thr1878del)

Gene: EP300 (E1A binding protein p300; plus strand). Cytogenetic location: 22q13.2.
Variant type: Deletion.
Coding change: c.5607_5624del on transcript NM_001429.4 (MANE Select); coding-DNA positions 5607 to 5624, 18 bases deleted (CCAGCCCACTTCTCAGCC).
Protein change: p.Ser1873_Thr1878del.
Molecular consequence: inframe deletion.
Genome position (GRCh38, 1-based): chr22:41,177,318-41,177,335, CCAGCCCACTTCTCAGCC deleted; deleting any 18 consecutive bases within chr22:41,177,315-41,177,335 gives the same sequence; the c. name uses the placement nearest the transcript's 3' end. VCF-style (leftmost placement, unchanged base first): chr22-41177314-CGCCCCAGCCCACTTCTCA-C. GRCh37 (hg19) VCF-style: chr22-41573318-CGCCCCAGCCCACTTCTCA-C.
Other names: c.5529_5546del, p.Ser1847_Thr1852del (NM_001362843.2).
Identifiers: ClinVar variation 1313867 (VCV001313867.2), dbSNP rs1555912169, ClinGen allele CA639825805.

ClinVar aggregate classification (germline): Uncertain significance (1 of 4 stars; one submission).

Submission:

GeneDx
Classification: Uncertain significance. Last evaluated: 2021-01-08. Review status: criteria provided, single submitter. Criteria: GeneDx Variant Classification Process June 2021. Collection method: clinical testing. Allele origin: germline. Affected: yes.
Comment: In-frame deletion of 6 amino acids in a non-repeat region; In silico analysis supports a deleterious effect on protein structure/function; Has not been previously published as pathogenic or benign to our knowledge